The following is an entry in ClinVar:

NM_000478.6(ALPL):c.602G>A (p.Cys201Tyr)

Gene: ALPL (alkaline phosphatase, biomineralization associated; plus strand). Cytogenetic location: 1p36.12.
Variant type: single nucleotide variant.
Coding change: c.602G>A on transcript NM_000478.6 (MANE Select); coding-DNA position 602, G replaced by A.
Protein change: p.Cys201Tyr; replaces cysteine 201 with tyrosine.
Molecular consequence: missense variant.
Genome position (GRCh38, 1-based): chr1:21,564,170, G>A. VCF-style: chr1-21564170-G-A. GRCh37 (hg19) VCF-style: chr1-21890663-G-A.
Other names: c.602G>A (NM_000478.4); c.437G>A, p.Cys146Tyr (NM_001127501.4); c.371G>A, p.Cys124Tyr (NM_001177520.3); c.602G>A, p.Cys201Tyr (NM_001369803.2, NM_001369804.2, NM_001369805.2); short protein forms C146Y, C201Y, C124Y.
Identifiers: ClinVar variation 2202715 (VCV002202715.6), dbSNP rs2545304244, ClinGen allele CA338878259.
Genomic context (GRCh38, chr1:21,564,170, plus strand): 5'-CGGCTGACCGGGACTGGTACTCAGACAACGAGATGCCCCCTGAGGCCTTGAGCCAGGGCT[G>A]TAAGGACATCGCCTACCAGCTCATGCATAACATCAGGGACATTGACGTGAGTGCTCGGGG-3'
Protein context (NP_000469.3, residues 191-211): EMPPEALSQG[Cys201Tyr]KDIAYQLMHN

ClinVar aggregate classification (germline): Conflicting classifications of pathogenicity. Review status: criteria provided, conflicting classifications (1 of 4 stars). 3 submissions from 3 submitters: Likely pathogenic (1); Uncertain significance (2). Last evaluated 2025-11-13.

Conditions:
Inborn genetic diseases. Identifiers: MedGen C0950123, MeSH D030342.
Hypophosphatasia. Also called: Phosphoethanol-aminuria. Identifiers: Orphanet 436, MedGen C0020630, MeSH D007014, MONDO:0018570.

Submissions (3):

Ambry Genetics
Classification: Uncertain significance for Inborn genetic diseases. Last evaluated: 2025-11-13. Review status: criteria provided, single submitter. Criteria: Ambry Variant Classification Scheme 2023. Collection method: clinical testing. Allele origin: germline.

Genomenon, Inc
Classification: Likely pathogenic for Hypophosphatasia. Last evaluated: 2025-08-29. Review status: criteria provided, single submitter. Criteria: Genomenon Sequence Variant Interpretation Standards. Collection method: curation. Allele origin: germline. Affected: yes.
Comment: ALPL c.602G>A is a missense variant that changes the amino acid at residue 201 from Cysteine to Tyrosine. This variant was identified in the parent of a proband with perinatal hypophosphatasia;however, it's presence in the proband was not able to be confirmed (PMID:10679946). At least one functional study has demonstrated a substantial alteration in protein function relative to the wild-type (PMID:22266140). This variant has been described as Cys184Tyr in the literature. It is absent or not present at a significant frequency in gnomAD. In silico models agree that this variant is possibly or probably damaging. In conclusion, we classify ALPL p.Cys201Tyr (c.602G>A) as a likely pathogenic variant.

Labcorp Genetics (formerly Invitae), Labcorp
Classification: Uncertain significance. Last evaluated: 2024-03-25. Review status: criteria provided, single submitter. Criteria: Invitae Variant Classification Sherloc (09022015). Collection method: clinical testing. Allele origin: germline.
Comment: This sequence change replaces cysteine, which is neutral and slightly polar, with tyrosine, which is neutral and polar, at codon 201 of the ALPL protein (p.Cys201Tyr). This variant is not present in population databases (gnomAD no frequency). This variant has not been reported in the literature in individuals affected with ALPL-related conditions. This variant is also known as C184Y. ClinVar contains an entry for this variant (Variation ID: 2202715). Advanced modeling of protein sequence and biophysical properties (such as structural, functional, and spatial information, amino acid conservation, physicochemical variation, residue mobility, and thermodynamic stability) performed at Invitae indicates that this missense variant is expected to disrupt ALPL protein function with a positive predictive value of 95%. Experimental studies have shown that this missense change affects ALPL function (PMID: 22266140). In summary, the available evidence is currently insufficient to determine the role of this variant in disease. Therefore, it has been classified as a Variant of Uncertain Significance.

Literature cited by the submitters: PubMed 10679946 (cited by Genomenon, Inc); PubMed 22266140 (cited by Genomenon, Inc and Labcorp Genetics (formerly Invitae), Labcorp).